The following is an entry in ClinVar:

ClinVar aggregate classification (germline): Uncertain significance (1 of 4 stars; one submission).

Allele frequency attached by ClinVar (database versions not stated): ExAC 0.00001; gnomAD 0.00001 and 0.00002; gnomAD exomes 0.00001; TOPMed 0.00001; ESP Exome Variant Server 0.00008.
gnomAD v4.1: 18 of 1,614,076 alleles (0.0011%); highest among the groups gnomAD compares: South Asian, 0.0044%; no homozygotes.

Submission:

GeneDx
Classification: Uncertain significance. Last evaluated: 2020-12-15. Review status: criteria provided, single submitter. Criteria: GeneDx Variant Classification Process June 2021. Collection method: clinical testing. Allele origin: germline. Affected: yes.
Comment: Not observed in large population cohorts (Lek et al., 2016); In silico analysis supports that this missense variant does not alter protein structure/function; Has not been previously published as pathogenic or benign to our knowledge

NM_001199799.2(ILDR1):c.1193C>T (p.Ser398Leu)

Gene: ILDR1 (immunoglobulin like domain containing receptor 1; minus strand). Cytogenetic location: 3q13.33.
Variant type: single nucleotide variant.
Coding change: c.1193C>T on transcript NM_001199799.2 (MANE Select); coding-DNA position 1193, C replaced by T.
Protein change: p.Ser398Leu; replaces serine 398 with leucine.
Molecular consequence: missense variant.
Genome position (GRCh38, 1-based): chr3:121,993,556, G>A on the plus strand (C>T on the coding strand, the complement: ILDR1 is on the minus strand). VCF-style: chr3-121993556-G-A. GRCh37 (hg19) VCF-style: chr3-121712403-G-A.
Other names: c.926C>T, p.Ser309Leu (NM_001199800.2); c.1061C>T, p.Ser354Leu (NM_175924.4); short protein forms S309L, S354L, S398L.
Identifiers: ClinVar variation 1312574 (VCV001312574.2), dbSNP rs369610198, ClinGen allele CA2568744.